The following is an entry in ClinVar:

NM_002180.3(IGHMBP2):c.1051A>G (p.Thr351Ala)

Gene: IGHMBP2 (immunoglobulin mu DNA binding protein 2; plus strand). Cytogenetic location: 11q13.3.
Variant type: single nucleotide variant.
Coding change: c.1051A>G on transcript NM_002180.3 (MANE Select); coding-DNA position 1051, A replaced by G.
Protein change: p.Thr351Ala; replaces threonine 351 with alanine.
Molecular consequence: missense variant.
Genome position (GRCh38, 1-based): chr11:68,917,874, A>G. VCF-style: chr11-68917874-A-G. GRCh37 (hg19) VCF-style: chr11-68685342-A-G.
Other names: short protein forms T351A.
Identifiers: ClinVar variation 1512508 (VCV001512508.3), dbSNP rs1033402228, ClinGen allele CA223395220.
Genomic context (GRCh38, chr11:68,917,874, plus strand): 5'-AAGGAGAGGGAAGAAGCAGCTATGCTCGAGAGCCTCACTTCGGCAAACGTGGTCCTTGCA[A>G]CAAACACAGGTGAGGGGGCGTCTCCATCCTGCCTGTGTGGCCTCGAAGAAGGAGTTGGGG-3'
Protein context (NP_002171.2, residues 341-361): SLTSANVVLA[Thr351Ala]NTGASADGPL

ClinVar aggregate classification (germline): Uncertain significance (1 of 4 stars; one submission).

Conditions:
Autosomal recessive distal spinal muscular atrophy 1. Also called: NEURONOPATHY, SEVERE INFANTILE AXONAL, WITH RESPIRATORY FAILURE; SEVERE INFANTILE AXONAL NEUROPATHY WITH RESPIRATORY FAILURE; SPINAL MUSCULAR ATROPHY, DIAPHRAGMATIC; NEURONOPATHY, DISTAL HEREDITARY MOTOR, HARDING TYPE VI; NEUROPATHY, DISTAL HEREDITARY MOTOR, AUTOSOMAL RECESSIVE 1; Spinal muscular atrophy with respiratory distress 1. Identifiers: Orphanet 98920, MedGen C1858517, MONDO:0011436, OMIM 604320.
Charcot-Marie-Tooth disease axonal type 2S. Also called: CHARCOT-MARIE-TOOTH DISEASE, AXONAL, AUTOSOMAL RECESSIVE, TYPE 2S; CHARCOT-MARIE-TOOTH NEUROPATHY, TYPE 2S. Identifiers: Orphanet 443073, MedGen C4015349, MONDO:0014511, OMIM 616155.

Allele frequency attached by ClinVar (database versions not stated): gnomAD exomes below 0.00001 and 0.00001; TOPMed 0.00002.
gnomAD v4.1: 2 of 1,614,096 alleles (0.00012%); highest among the groups gnomAD compares: Admixed American, 0.0033%; no homozygotes.

Submission:

Labcorp Genetics (formerly Invitae), Labcorp
Classification: Uncertain significance for Autosomal recessive distal spinal muscular atrophy 1; Charcot-Marie-Tooth disease axonal type 2S. Last evaluated: 2022-02-24. Review status: criteria provided, single submitter. Criteria: Invitae Variant Classification Sherloc (09022015). Collection method: clinical testing. Allele origin: germline.
Comment: This sequence change replaces threonine, which is neutral and polar, with alanine, which is neutral and non-polar, at codon 351 of the IGHMBP2 protein (p.Thr351Ala). This variant is present in population databases (no rsID available, gnomAD 0.006%). This variant has not been reported in the literature in individuals affected with IGHMBP2-related conditions. Advanced modeling of protein sequence and biophysical properties (such as structural, functional, and spatial information, amino acid conservation, physicochemical variation, residue mobility, and thermodynamic stability) performed at Invitae indicates that this missense variant is expected to disrupt IGHMBP2 protein function. Algorithms developed to predict the effect of sequence changes on RNA splicing suggest that this variant may create or strengthen a splice site. In summary, the available evidence is currently insufficient to determine the role of this variant in disease. Therefore, it has been classified as a Variant of Uncertain Significance.